The following is an entry in ClinVar:

NM_182931.3(KMT2E):c.4790A>G (p.Gln1597Arg)

Gene: KMT2E (lysine methyltransferase 2E (inactive); plus strand). Cytogenetic location: 7q22.3.
Variant type: single nucleotide variant.
Coding change: c.4790A>G on transcript NM_182931.3 (MANE Select); coding-DNA position 4790, A replaced by G.
Protein change: p.Gln1597Arg; replaces glutamine 1597 with arginine.
Molecular consequence: missense variant.
Genome position (GRCh38, 1-based): chr7:105,112,546, A>G. VCF-style: chr7-105112546-A-G. GRCh37 (hg19) VCF-style: chr7-104752993-A-G.
Other names: c.4664A>G, p.Gln1555Arg (NM_001410908.1); c.4790A>G, p.Gln1597Arg (NM_018682.4); short protein forms Q1555R, Q1597R.
Identifiers: ClinVar variation 2124416 (VCV002124416.4), dbSNP rs1000242165, ClinGen allele CA164024261.

ClinVar aggregate classification (germline): Uncertain significance (1 of 4 stars; one submission).

Allele frequency attached by ClinVar (database versions not stated): gnomAD exomes below 0.00001.
gnomAD v4.1: 1 of 1,614,084 alleles (0.000062%); highest among the groups gnomAD compares: Admixed American, 0.0017%; no homozygotes.

Submission:

Labcorp Genetics (formerly Invitae), Labcorp
Classification: Uncertain significance. Last evaluated: 2024-12-02. Review status: criteria provided, single submitter. Criteria: Invitae Variant Classification Sherloc (09022015). Collection method: clinical testing. Allele origin: germline.
Comment: This sequence change replaces glutamine, which is neutral and polar, with arginine, which is basic and polar, at codon 1597 of the KMT2E protein (p.Gln1597Arg). This variant is not present in population databases (gnomAD no frequency). This variant has not been reported in the literature in individuals affected with KMT2E-related conditions. ClinVar contains an entry for this variant (Variation ID: 2124416). An algorithm developed to predict the effect of missense changes on protein structure and function (PolyPhen-2) suggests that this variant is likely to be tolerated. In summary, the available evidence is currently insufficient to determine the role of this variant in disease. Therefore, it has been classified as a Variant of Uncertain Significance.